The following is an entry in ClinVar:

ClinVar aggregate classification (germline): Likely benign. Review status: criteria provided, multiple submitters, no conflicts (2 of 4 stars). 2 submissions from 2 submitters: Likely benign (2). Last evaluated 2023-09-04.

Conditions:
Maple syrup urine disease (MSUD). Identifiers: Orphanet 511, MedGen C0024776, MeSH D008375, MONDO:0009563. Disease mechanism: loss of function.

Allele frequency attached by ClinVar (database versions not stated): TOPMed 0.00001.
gnomAD v4.1: 10 of 1,613,554 alleles (0.00062%); highest among the groups gnomAD compares: Admixed American, 0.0017%; no homozygotes.

Submissions (2):

Labcorp Genetics (formerly Invitae), Labcorp
Classification: Likely benign for Maple syrup urine disease. Last evaluated: 2023-09-04. Review status: criteria provided, single submitter. Criteria: Invitae Variant Classification Sherloc (09022015). Collection method: clinical testing. Allele origin: germline.

GeneDx
Classification: Likely benign. Last evaluated: 2016-02-22. Review status: criteria provided, single submitter. Criteria: GeneDx Variant Classification (06012015). Collection method: clinical testing. Allele origin: germline. Affected: yes.
Comment: This variant is considered likely benign or benign based on one or more of the following criteria: it is a conservative change, it occurs at a poorly conserved position in the protein, it is predicted to be benign by multiple in silico algorithms, and/or has population frequency not consistent with disease.

NM_183050.4(BCKDHB):c.1014A>G (p.Ala338=)

Gene: BCKDHB (branched chain keto acid dehydrogenase E1 subunit beta; plus strand). Cytogenetic location: 6q14.1.
Variant type: single nucleotide variant.
Coding change: c.1014A>G on transcript NM_183050.4 (MANE Select); coding-DNA position 1014, A replaced by G.
Protein change: p.Ala338=; no amino-acid change (alanine 338 retained).
Molecular consequence: synonymous variant. On other transcripts: non-coding transcript variant (1).
Genome position (GRCh38, 1-based): chr6:80,273,197, A>G. VCF-style: chr6-80273197-A-G. GRCh37 (hg19) VCF-style: chr6-80982914-A-G.
Other names: c.1014A>G, p.Ala338= (NM_000056.5); c.804A>G, p.Ala268= (NM_001318975.1).
Identifiers: ClinVar variation 382425 (VCV000382425.8), dbSNP rs904277226, ClinGen allele CA16605092.